The following is an entry in ClinVar:

ClinVar aggregate classification (germline): Conflicting classifications of pathogenicity. Review status: criteria provided, conflicting classifications (1 of 4 stars). 8 submissions from 8 submitters: Likely pathogenic (6); Uncertain significance (1). 1 of the submissions does not count toward it. Last evaluated 2026-01-05.

Conditions:
Fanconi anemia complementation group A (FANCA). Also called: Fanconi anemia, group A; FANCA-Related Fanconi Anemia. Identifiers: Orphanet 84, MedGen C3469521, MONDO:0009215, OMIM 227650.
FANCA-related disorder. Also called: FANCA-related condition.
FANCA-related disorders.
Fanconi anemia (FA). Also called: Fanconi's anemia. Identifiers: Orphanet 84, MedGen C0015625, MeSH D005199, MONDO:0019391.

Allele frequency attached by ClinVar (database versions not stated): TOPMed 0.00001.
gnomAD v4.1: 54 of 1,490,154 alleles (0.0036%); highest among the groups gnomAD compares: Non-Finnish European, 0.005%; no homozygotes.

Submissions (8):

Labcorp Genetics (formerly Invitae), Labcorp
Classification: Uncertain significance for Fanconi anemia. Last evaluated: 2026-01-05. Review status: criteria provided, single submitter. Criteria: Invitae Variant Classification Sherloc (09022015). Collection method: clinical testing. Allele origin: germline.
Comment: This sequence change falls in intron 28 of the FANCA gene. It does not directly change the encoded amino acid sequence of the FANCA protein. This variant is present in population databases (rs750997715, gnomAD 0.002%). This variant has been observed in individual(s) with Fanconi anemia (PMID: 9399890, 29098742, 37547463). ClinVar contains an entry for this variant (Variation ID: 552293). Studies have shown that this variant is associated with altered splicing resulting in multiple RNA products (PMID: 9399890). In summary, the available evidence is currently insufficient to determine the role of this variant in disease. Therefore, it has been classified as a Variant of Uncertain Significance.

Natera, Inc.
Classification: Likely pathogenic for Fanconi anemia. Last evaluated: 2025-09-10. Review status: criteria provided, single submitter. Criteria: Natera Variant Classification Schema (03/2026). Collection method: clinical testing. Allele origin: germline.
Comment: The c.2778+83C>G variant in FANCA is an intronic variant located outside the canonical splice sites. This variant is rare in the general population with a frequency below the threshold expected for the associated phenotype(s). This variant has been observed in one or more individuals affected with the associated recessive disease, as either homozygous or compound heterozygous with a second variant (PMID: 9399890, 29098742, 37547463). Functional studies show that this variant may disrupt protein function (PMID: 9399890, 37547463). Computational prediction algorithms indicate this variant is likely to affect gene or protein function. Given the available evidence, this variant is classified as Likely Pathogenic.

PreventionGenetics, part of Exact Sciences
Classification: Likely pathogenic for FANCA-related condition. Last evaluated: 2025-05-16. Review status: criteria provided, single submitter. Criteria: ACMG Guidelines, 2015. Collection method: clinical testing. Allele origin: germline.
Comment: The FANCA c.2778+83C>G variant is predicted to interfere with splicing. This variant has been reported in individuals with Fanconi anemia (Savino et al. 1997. PubMed ID: 9399890; Kimble et al. 2017. PubMed ID: 29098742; Persico et al. 2023. PubMed ID: 37547463). RNA studies demonstrated that expression of this variant results in the activation of a cryptic donor site and the retention of the first 83 nucleotides from intron 28 (Savino et al. 1997. PubMed ID: 9399890; Persico et al. 2023. PubMed ID: 37547463). This variant is reported in 0.00089% of alleles in individuals of European (non-Finnish) descent in gnomAD. This variant is interpreted as likely pathogenic.

Myriad Genetics, Inc.
Classification: Likely pathogenic for Fanconi anemia complementation group A. Last evaluated: 2024-05-09. Review status: criteria provided, single submitter. Criteria: Myriad Autosomal Dominant, Autosomal Recessive and X-Linked Classification Criteria (2023). Collection method: clinical testing. Allele origin: unknown.
Comment: NM_000135.2(FANCA):c.2778+83C>G is an intronic variant classified as likely pathogenic in the context of Fanconi anemia complementation group A. c.2778+83C>G has been observed in cases with relevant disease (PMID: 37547463, 9399890, 29098742). Relevant functional assessments of this variant are available in the literature (PMID: 37547463, 9399890). c.2778+83C>G has been observed in referenced population frequency databases. In summary, NM_000135.2(FANCA):c.2778+83C>G is an intronic variant that has been observed more frequently in cases with the relevant disease than in healthy populations. Please note: this variant was assessed in the context of healthy population screening.

Blueprint Genetics
Classification: Likely pathogenic for FANCA-related disorders. Last evaluated: 2024-04-15. Review status: criteria provided, single submitter. Criteria: ACMG Guidelines, 2015. Collection method: clinical testing. Allele origin: germline. Affected: yes. Observed: 4 variant alleles.

Baylor Genetics
Classification: Likely pathogenic for Fanconi anemia complementation group A. Last evaluated: 2024-02-26. Review status: criteria provided, single submitter. Criteria: ACMG Guidelines, 2015. Collection method: clinical testing. Allele origin: unknown.

Fulgent Genetics
Classification: Likely pathogenic for Fanconi anemia complementation group A. Last evaluated: 2024-01-31. Review status: criteria provided, single submitter. Criteria: ACMG Guidelines, 2015. Collection method: clinical testing. Allele origin: germline.

Leiden Open Variation Database
Classification: Pathogenic for Fanconi anemia complementation group A. Last evaluated: 2020-02-28. Review status: no assertion criteria provided. Collection method: curation. Allele origin: germline. Affected: yes. Not counted in ClinVar's aggregate classification.
Comment: Curator: Arleen D. Auerbach. Submitter to LOVD: Arleen D. Auerbach.

Literature cited by the submitters: PubMed 9399890 (cited by 3 submitters); PubMed 29098742 (cited by 3 submitters); PubMed 37547463 (cited by 3 submitters); PubMed 09399890 (cited by Leiden Open Variation Database); PubMed 12955722 (cited by Leiden Open Variation Database).

NM_000135.4(FANCA):c.2778+83C>G

Gene: FANCA (FA complementation group A; minus strand). Cytogenetic location: 16q24.3.
Variant type: single nucleotide variant.
Coding change: c.2778+83C>G on transcript NM_000135.4 (MANE Select); 83 bases into the intron after coding-DNA position 2778, C replaced by G.
Molecular consequence: intron variant.
Genome position (GRCh38, 1-based): chr16:89,764,807, G>C on the plus strand (C>G on the coding strand, the complement: FANCA is on the minus strand). VCF-style: chr16-89764807-G-C. GRCh37 (hg19) VCF-style: chr16-89831215-G-C.
Other names: c.2778+83C>G (LRG_495t1, NM_001286167.3, NM_000135.3).
Identifiers: ClinVar variation 552293 (VCV000552293.16), dbSNP rs750997715, ClinGen allele CA8251546.